The following is an entry in ClinVar:

ClinVar aggregate classification (germline): Uncertain significance (1 of 4 stars; one submission).

Conditions:
Peutz-Jeghers syndrome (PJS). Also called: POLYPOSIS, HAMARTOMATOUS INTESTINAL; POLYPS-AND-SPOTS SYNDROME; Peutz-Jeghers polyposis; Periorificial lentiginosis syndrome. Identifiers: Orphanet 2869, MedGen C0031269, MeSH D010580, MONDO:0008280, OMIM 175200.

Submission:

Labcorp Genetics (formerly Invitae), Labcorp
Classification: Uncertain significance for Peutz-Jeghers syndrome. Last evaluated: 2017-06-25. Review status: criteria provided, single submitter. Criteria: Invitae Variant Classification Sherloc (09022015). Collection method: clinical testing. Allele origin: germline.
Comment: This sequence change replaces glutamic acid with glycine at codon 121 of the STK11 protein (p.Glu121Gly). The glutamic acid residue is highly conserved and there is a moderate physicochemical difference between glutamic acid and glycine. This variant is not present in population databases (ExAC no frequency). This variant has not been reported in the literature in individuals with STK11-related disease. Algorithms developed to predict the effect of missense changes on protein structure and function do not agree on the potential impact of this missense change (SIFT: "Tolerated"; PolyPhen-2: "Possibly Damaging"; Align-GVGD: "Class C0"). In summary, the available evidence is currently insufficient to determine the role of this variant in disease. Therefore, it has been classified as a Variant of Uncertain Significance.

NM_000455.5(STK11):c.362A>G (p.Glu121Gly)

Gene: STK11 (serine/threonine kinase 11; plus strand). Cytogenetic location: 19p13.3.
Variant type: single nucleotide variant.
Coding change: c.362A>G on transcript NM_000455.5 (MANE Select); coding-DNA position 362, A replaced by G.
Protein change: p.Glu121Gly; replaces glutamic acid 121 with glycine.
Molecular consequence: missense variant.
Genome position (GRCh38, 1-based): chr19:1,218,488, A>G. VCF-style: chr19-1218488-A-G. GRCh37 (hg19) VCF-style: chr19-1218487-A-G.
Other names: short protein forms E121G.
Identifiers: ClinVar variation 458040 (VCV000458040.8), dbSNP rs1555737454, ClinGen allele CA402947877.
Genomic context (GRCh38, chr19:1,218,488, plus strand): 5'-TACTGAGGAGGTTACGGCACAAAAATGTCATCCAGCTGGTGGATGTGTTATACAACGAAG[A>G]GAAGCAGAAAATATATCCTTTCCGGTGTTGGGACCGCGGGGCCTCCGTGGGAGGGGCTGG-3'
Protein context (NP_000446.1, residues 111-131): IQLVDVLYNE[Glu121Gly]KQKMYMVMEY